The following is an entry in ClinVar:

ClinVar aggregate classification (germline): Uncertain significance (1 of 4 stars; one submission).

Allele frequency attached by ClinVar (database versions not stated): gnomAD exomes below 0.00001; gnomAD 0.00001.
gnomAD v4.1: 4 of 1,613,386 alleles (0.00025%); highest among the groups gnomAD compares: Non-Finnish European, 0.00025%; no homozygotes.

Submission:

Ambry Genetics
Classification: Uncertain significance. Last evaluated: 2022-12-05. Review status: criteria provided, single submitter. Criteria: Ambry Variant Classification Scheme 2023. Collection method: clinical testing. Allele origin: germline.
Comment: The p.N1284Y variant (also known as c.3850A>T), located in coding exon 16 of the POLQ gene, results from an A to T substitution at nucleotide position 3850. The asparagine at codon 1284 is replaced by tyrosine, an amino acid with dissimilar properties. This amino acid position is conserved. In addition, this alteration is predicted to be tolerated by in silico analysis. Since supporting evidence is limited at this time, the clinical significance of this alteration remains unclear.

NM_199420.4(POLQ):c.3850A>T (p.Asn1284Tyr)

Gene: POLQ (DNA polymerase theta; minus strand). Cytogenetic location: 3q13.33.
Variant type: single nucleotide variant.
Coding change: c.3850A>T on transcript NM_199420.4 (MANE Select); coding-DNA position 3850, A replaced by T.
Protein change: p.Asn1284Tyr; replaces asparagine 1284 with tyrosine.
Molecular consequence: missense variant.
Genome position (GRCh38, 1-based): chr3:121,489,081, T>A on the plus strand (A>T on the coding strand, the complement: POLQ is on the minus strand). VCF-style: chr3-121489081-T-A. GRCh37 (hg19) VCF-style: chr3-121207928-T-A.
Other names: short protein forms N1284Y.
Identifiers: ClinVar variation 2497178 (VCV002497178.2), dbSNP rs937395701, ClinGen allele CA81836071.